The following is an entry in ClinVar:

ClinVar aggregate classification (germline): Uncertain significance. Review status: criteria provided, multiple submitters, no conflicts (2 of 4 stars). 2 submissions from 2 submitters: Uncertain significance (2). Last evaluated 2021-05-17.

Conditions:
Ehlers-Danlos syndrome, classic type, 1 (EDSCL1). Also called: Ehlers-Danlos Syndrome, Classic Type, COL5A1-Related; EHLERS-DANLOS SYNDROME, GRAVIS TYPE; EHLERS-DANLOS SYNDROME, SEVERE CLASSIC TYPE; Ehlers-Danlos syndrome, type 1; EDS I. Identifiers: MedGen C0268335, MONDO:0019567, OMIM 130000.

Submissions (2):

Labcorp Genetics (formerly Invitae), Labcorp
Classification: Uncertain significance for Ehlers-Danlos syndrome, classic type, 1. Last evaluated: 2021-05-17. Review status: criteria provided, single submitter. Criteria: Invitae Variant Classification Sherloc (09022015). Collection method: clinical testing. Allele origin: germline.
Comment: In summary, the available evidence is currently insufficient to determine the role of this variant in disease. Therefore, it has been classified as a Variant of Uncertain Significance. Advanced modeling of protein sequence and biophysical properties (such as structural, functional, and spatial information, amino acid conservation, physicochemical variation, residue mobility, and thermodynamic stability) performed at Invitae indicates that this missense variant is not expected to disrupt COL5A2 protein function. This variant has not been reported in the literature in individuals with COL5A2-related conditions. ClinVar contains an entry for this variant (Variation ID: 213160). This variant is not present in population databases (ExAC no frequency). This sequence change replaces aspartic acid with glutamic acid at codon 1356 of the COL5A2 protein (p.Asp1356Glu). The aspartic acid residue is highly conserved and there is a small physicochemical difference between aspartic acid and glutamic acid.

GeneDx
Classification: Uncertain significance. Last evaluated: 2015-07-17. Review status: criteria provided, single submitter. Criteria: GeneDx Variant Classification (06012015). Collection method: clinical testing. Allele origin: germline. Affected: yes.
Comment: TAAD is a genetically heterogeneous disorder characterized by aortic dilatation, aneurysms, dissections and/or aneurysms of other major arteries. The COL5A2 gene encodes for a precursor of type V collagen, which contributes to the structural integrity of various connective tissues, and disruption of COL5A2 function leads to a non-functional alpha-2 (V) chain (Wenstrup et al., 2004). Heterozygous mutations in the COL5A2 gene are associated with Ehlers-Danlos syndrome (EDS), classic type. Approximately 4% of patients with EDS, classic type, have been reported to have a mutation in the COL5A2 gene (Malfait F et al., 2011) p.Asp1356Glu (D1356E) (GAC>GAA): c.4068 C>A in exon 52 of the COL5A2 gene (NM_000393.3). A variant of unknown significance has been identified in the COL5A2 gene. The D1356E variant has not been published as a mutation, nor has it been reported as a benign polymorphism to our knowledge. The D1356E variant was not observed in approximately 6,500 individuals of European and African American ancestry in the NHLBI Exome Sequencing Project, indicating it is not a common benign variant in these populations. Although this substitution occurs at a position that is conserved in mammals, the D1356E variant is a conservative amino acid substitution, which is not likely to impact secondary protein structure as these residues share similar properties. Additionally, in silico analysis predicts this variant likely does not alter the protein structure/function. No missense mutations in nearby residues have been reported indicating that this region of the protein may be tolerant of change. Finally, the D1356E variant does not affect a Glycine residue in a Gly-X-Y motif in the triple helical region of the COL5A2 gene, where the majority of missense mutations occur (Symoens et al., 2012). However, in contrast to several other collagen genes, relatively few pathogenic Glycine substitutions have been reported in COL5A2 in association with Ehlers-Danlos syndrome. Most mutations in COL5A2 are in-frame splice site changes that cause exon skipping (Symoens et al., 2012). Therefore, based on the currently available information, it is unclear whether this variant is a pathogenic mutation or a rare benign variant. This variant was found in TAADV2-PANCARD.

NM_000393.5(COL5A2):c.4068C>A (p.Asp1356Glu)

Gene: COL5A2 (collagen type V alpha 2 chain; minus strand). Cytogenetic location: 2q32.2.
Variant type: single nucleotide variant.
Coding change: c.4068C>A on transcript NM_000393.5 (MANE Select); coding-DNA position 4068, C replaced by A.
Protein change: p.Asp1356Glu; replaces aspartic acid 1356 with glutamic acid.
Molecular consequence: missense variant.
Genome position (GRCh38, 1-based): chr2:189,036,661, G>T on the plus strand (C>A on the coding strand, the complement: COL5A2 is on the minus strand). VCF-style: chr2-189036661-G-T. GRCh37 (hg19) VCF-style: chr2-189901387-G-T.
Other names: p.D1356E:GAC>GAA; short protein forms D1356E.
Identifiers: ClinVar variation 213160 (VCV000213160.10), dbSNP rs771590535, ClinGen allele CA322878.